The following is an entry in ClinVar:

ClinVar aggregate classification (germline): Benign. Review status: criteria provided, multiple submitters, no conflicts (2 of 4 stars). 7 submissions from 7 submitters: Benign (6). 1 of the submissions does not count toward it. Last evaluated 2026-02-04.

Conditions:
Donnai-Barrow syndrome. Also called: FACIOOCULOACOUSTICORENAL SYNDROME; DBS/FOAR SYNDROME. Identifiers: Orphanet 2143, MedGen C1857277, MONDO:0009104, OMIM 222448.

Allele frequency attached by ClinVar (database versions not stated): 1000 Genomes Project 0.00559; 1000 Genomes Project 30x 0.00593; gnomAD 0.00927 and 0.00955; TOPMed 0.00950; ESP Exome Variant Server 0.01153.
gnomAD v4.1: 19,752 of 1,613,612 alleles (1.2%); highest among the groups gnomAD compares: Non-Finnish European, 1.5%; 142 homozygotes.

Submissions (7):

Labcorp Genetics (formerly Invitae), Labcorp
Classification: Benign. Last evaluated: 2026-02-04. Review status: criteria provided, single submitter. Criteria: Invitae Variant Classification Sherloc (09022015). Collection method: clinical testing. Allele origin: germline.

CeGaT Center for Human Genetics Tuebingen
Classification: Benign. Last evaluated: 2025-06-01. Review status: criteria provided, single submitter. Criteria: CeGaT Center For Human Genetics Tuebingen Variant Classification Criteria Version 2. Collection method: clinical testing. Allele origin: germline. Affected: yes. Observed: 31 variant alleles.
Comment: LRP2: BP4, BS1, BS2

Genome-Nilou Lab
Classification: Benign for Donnai-Barrow syndrome. Last evaluated: 2021-07-15. Review status: criteria provided, single submitter. Criteria: ACMG Guidelines, 2015. Collection method: clinical testing. Allele origin: germline. Affected: no.

Illumina Laboratory Services, Illumina
Classification: Benign for Donnai-Barrow syndrome. Last evaluated: 2018-01-13. Review status: criteria provided, single submitter. Criteria: ICSL Variant Classification Criteria 13 December 2019. Collection method: clinical testing. Allele origin: germline.
Comment: This variant was observed in the ICSL laboratory as part of a predisposition screen in an ostensibly healthy population. It had not been previously curated by ICSL or reported in the Human Gene Mutation Database (HGMD: prior to June 1st, 2018), and was therefore a candidate for classification through an automated scoring system. Utilizing variant allele frequency, disease prevalence and penetrance estimates, and inheritance mode, an automated score was calculated to assess if this variant is too frequent to cause the disease. Based on the score and internal cut-off values, a variant classified as benign is not then subjected to further curation. The score for this variant resulted in a classification of benign for this disease.

Breakthrough Genomics
Classification: Benign. Review status: criteria provided, single submitter. Criteria: ACMG Guidelines, 2015. Collection method: not provided. Allele origin: germline. Inheritance: Autosomal recessive inheritance. Affected: yes.

PreventionGenetics, part of Exact Sciences
Classification: Benign. Review status: criteria provided, single submitter. Criteria: ACMG Guidelines, 2015. Collection method: clinical testing. Allele origin: germline.

Genetic Services Laboratory, University of Chicago
Classification: Likely benign for AllHighlyPenetrant. Review status: no assertion criteria provided. Collection method: clinical testing. Allele origin: germline. Inheritance: Autosomal recessive inheritance. Not counted in ClinVar's aggregate classification.
Comment: Likely benign based on allele frequency in 1000 Genomes Project or ESP global frequency and its presence in a patient with a rare or unrelated disease phenotype. NOT Sanger confirmed.

NM_004525.3(LRP2):c.1172-8G>A

Gene: LRP2 (LDL receptor related protein 2; minus strand). Cytogenetic location: 2q31.1.
Variant type: single nucleotide variant.
Coding change: c.1172-8G>A on transcript NM_004525.3 (MANE Select); 8 bases into the intron before coding-DNA position 1172, G replaced by A.
Molecular consequence: intron variant.
Genome position (GRCh38, 1-based): chr2:169,280,527, C>T on the plus strand (G>A on the coding strand, the complement: LRP2 is on the minus strand). VCF-style: chr2-169280527-C-T. GRCh37 (hg19) VCF-style: chr2-170137037-C-T.
Identifiers: ClinVar variation 129495 (VCV000129495.44), dbSNP rs115371758, ClinGen allele CA153543.